The following is an entry in ClinVar:

NM_000214.3(JAG1):c.1491G>C (p.Leu497Phe)

Gene: JAG1 (jagged canonical Notch ligand 1; minus strand). Cytogenetic location: 20p12.2.
Variant type: single nucleotide variant.
Coding change: c.1491G>C on transcript NM_000214.3 (MANE Select); coding-DNA position 1491, G replaced by C.
Protein change: p.Leu497Phe; replaces leucine 497 with phenylalanine.
Molecular consequence: missense variant.
Genome position (GRCh38, 1-based): chr20:10,648,627, C>G on the plus strand (G>C on the coding strand, the complement: JAG1 is on the minus strand). VCF-style: chr20-10648627-C-G. GRCh37 (hg19) VCF-style: chr20-10629275-C-G.
Other names: short protein forms L497F.
Identifiers: ClinVar variation 3531188 (VCV003531188.1).

ClinVar aggregate classification (germline): Uncertain significance (1 of 4 stars; one submission).

Conditions:
Cardiovascular phenotype. Identifiers: MedGen CN230736.

Submission:

Ambry Genetics
Classification: Uncertain significance for Cardiovascular phenotype. Last evaluated: 2024-10-22. Review status: criteria provided, single submitter. Criteria: Ambry Variant Classification Scheme 2023. Collection method: clinical testing. Allele origin: germline.
Comment: The p.L497F variant (also known as c.1491G>C), located in coding exon 12 of the JAG1 gene, results from a G to C substitution at nucleotide position 1491. The leucine at codon 497 is replaced by phenylalanine, an amino acid with highly similar properties. This amino acid position is conserved. In addition, the in silico prediction for this alteration is inconclusive. Based on the available evidence, the clinical significance of this variant remains unclear.